The following is an entry in ClinVar:

NM_002241.5(KCNJ10):c.817G>T (p.Gly273Cys)

Gene: KCNJ10 (potassium inwardly rectifying channel subfamily J member 10; minus strand). Cytogenetic location: 1q23.2.
Variant type: single nucleotide variant.
Coding change: c.817G>T on transcript NM_002241.5 (MANE Select); coding-DNA position 817, G replaced by T.
Protein change: p.Gly273Cys; replaces glycine 273 with cysteine.
Molecular consequence: missense variant.
Genome position (GRCh38, 1-based): chr1:160,041,716, C>A on the plus strand (G>T on the coding strand, the complement: KCNJ10 is on the minus strand). VCF-style: chr1-160041716-C-A. GRCh37 (hg19) VCF-style: chr1-160011506-C-A.
Other names: short protein forms G273C.
Identifiers: ClinVar variation 840662 (VCV000840662.10), dbSNP rs1648611336, ClinGen allele CA343224754.
Genomic context (GRCh38, chr1:160,041,716, plus strand): 5'-TGGCACTGGTGGACTCCACTGTCCCACTTAGGATCAGCACCAGCTCAAAGTCACCCTCAC[C>A]ACTGCGAAGAGGGAGATCTTTCAAGGGACTGGTCTCATCTACCACATGATAGAAGGTAAG-3'
Protein context (NP_002232.2, residues 263-283): SPLKDLPLRS[Gly273Cys]EGDFELVLIL

ClinVar aggregate classification (germline): Uncertain significance (1 of 4 stars; one submission).

Conditions:
EAST syndrome (SESAMES). Also called: SEIZURES, SENSORINEURAL DEAFNESS, ATAXIA, IMPAIRED INTELLECTUAL DEVELOPMENT, AND ELECTROLYTE IMBALANCE. Identifiers: Orphanet 199343, MedGen C2748572, MONDO:0013005, OMIM 612780.

Allele frequency attached by ClinVar (database versions not stated): gnomAD exomes below 0.00001; gnomAD 0.00001; TOPMed 0.00001.
gnomAD v4.1: 2 of 1,614,054 alleles (0.00012%); highest among the groups gnomAD compares: Admixed American, 0.0017%; no homozygotes.

Submission:

Labcorp Genetics (formerly Invitae), Labcorp
Classification: Uncertain significance for EAST syndrome. Last evaluated: 2025-10-08. Review status: criteria provided, single submitter. Criteria: Invitae Variant Classification Sherloc (09022015). Collection method: clinical testing. Allele origin: germline.
Comment: This sequence change replaces glycine, which is neutral and non-polar, with cysteine, which is neutral and slightly polar, at codon 273 of the KCNJ10 protein (p.Gly273Cys). This variant is not present in population databases (gnomAD no frequency). This variant has not been reported in the literature in individuals affected with KCNJ10-related conditions. ClinVar contains an entry for this variant (Variation ID: 840662). Invitae Evidence Modeling of protein sequence and biophysical properties (such as structural, functional, and spatial information, amino acid conservation, physicochemical variation, residue mobility, and thermodynamic stability) indicates that this missense variant is not expected to disrupt KCNJ10 protein function with a negative predictive value of 95%. In summary, the available evidence is currently insufficient to determine the role of this variant in disease. Therefore, it has been classified as a Variant of Uncertain Significance.